The following is an entry in ClinVar:

NM_000022.4(ADA):c.1054G>A (p.Gly352Arg)

Gene: ADA (adenosine deaminase; minus strand). Cytogenetic location: 20q13.12.
Variant type: single nucleotide variant.
Coding change: c.1054G>A on transcript NM_000022.4 (MANE Select); coding-DNA position 1054, G replaced by A.
Protein change: p.Gly352Arg; replaces glycine 352 with arginine.
Molecular consequence: missense variant. On other transcripts: non-coding transcript variant (1).
Genome position (GRCh38, 1-based): chr20:44,620,323, C>T on the plus strand (G>A on the coding strand, the complement: ADA is on the minus strand). VCF-style: chr20-44620323-C-T. GRCh37 (hg19) VCF-style: chr20-43248964-C-T.
Other names: c.649G>A, p.Gly217Arg (NM_001322050.2); c.982G>A, p.Gly328Arg (NM_001322051.2); short protein forms G328R, G217R, G352R.
Identifiers: ClinVar variation 863612 (VCV000863612.3), dbSNP rs2065316932, ClinGen allele CA409118418.

ClinVar aggregate classification (germline): Uncertain significance (1 of 4 stars; one submission).

Conditions:
Severe combined immunodeficiency, autosomal recessive, T cell-negative, B cell-negative, NK cell-negative, due to adenosine deaminase deficiency. Also called: ADA-SCID; SCID DUE TO ADA DEFICIENCY; SCID DUE TO ADA DEFICIENCY, EARLY-ONSET; ADA deficiency; Adenosine deaminase deficient severe combined immunodeficiency; Severe combined immunodeficiency due to ADA deficiency. Identifiers: Orphanet 277, MedGen C0392607, MONDO:0007064, OMIM 102700.

Allele frequency attached by ClinVar (database versions not stated): gnomAD exomes below 0.00001.
gnomAD v4.1: 2 of 1,614,180 alleles (0.00012%); highest among the groups gnomAD compares: African/African-American, 0.0013%; no homozygotes.

Submission:

Labcorp Genetics (formerly Invitae), Labcorp
Classification: Uncertain significance for Severe combined immunodeficiency, autosomal recessive, T cell-negative, B cell-negative, NK cell-negative, due to adenosine deaminase deficiency. Last evaluated: 2022-06-27. Review status: criteria provided, single submitter. Criteria: Invitae Variant Classification Sherloc (09022015). Collection method: clinical testing. Allele origin: germline.
Comment: This sequence change replaces glycine, which is neutral and non-polar, with arginine, which is basic and polar, at codon 352 of the ADA protein (p.Gly352Arg). This variant is not present in population databases (gnomAD no frequency). This variant has not been reported in the literature in individuals affected with ADA-related conditions. ClinVar contains an entry for this variant (Variation ID: 863612). Advanced modeling of protein sequence and biophysical properties (such as structural, functional, and spatial information, amino acid conservation, physicochemical variation, residue mobility, and thermodynamic stability) performed at Invitae indicates that this missense variant is not expected to disrupt ADA protein function. In summary, the available evidence is currently insufficient to determine the role of this variant in disease. Therefore, it has been classified as a Variant of Uncertain Significance.